The following is an entry in ClinVar:

ClinVar aggregate classification (germline): Benign. Review status: criteria provided, multiple submitters, no conflicts (2 of 4 stars). 4 submissions from 3 submitters: Benign (3). 1 of the submissions does not count toward it. Last evaluated 2021-09-05.

Conditions:
Neurodevelopmental disorder with dysmorphic facies, impaired speech, and hypotonia. Identifiers: MedGen C5436585, MONDO:0033562, OMIM 619005.
Deeah syndrome. Also called: DEVELOPMENTAL DELAY WITH ENDOCRINE, EXOCRINE, AUTONOMIC, AND HEMATOLOGIC ABNORMALITIES. Identifiers: Orphanet 686495, MedGen C5436579, MONDO:0033561, OMIM 619004.
MADD-related disorder. Also called: MADD-related condition; MADD-Related Disorders.

Allele frequency attached by ClinVar (database versions not stated): TOPMed 0.07135; 1000 Genomes Project 30x 0.07308; 1000 Genomes Project 0.07388; gnomAD 0.07565 and 0.07700; ESP Exome Variant Server 0.08278; gnomAD exomes 0.08628 and 0.10295; ExAC 0.09037.
gnomAD v4.1: 161,688 of 1,614,014 alleles (10%); highest among the groups gnomAD compares: South Asian, 11%; 8,744 homozygotes.

Submissions (4):

Genome-Nilou Lab
Classification: Benign for Deeah syndrome. Last evaluated: 2021-09-05. Review status: criteria provided, single submitter. Criteria: ACMG Guidelines, 2015. Collection method: clinical testing. Allele origin: germline. Affected: no.

Genome-Nilou Lab
Classification: Benign for Neurodevelopmental disorder with dysmorphic facies, impaired speech, and hypotonia. Last evaluated: 2021-09-05. Review status: criteria provided, single submitter. Criteria: ACMG Guidelines, 2015. Collection method: clinical testing. Allele origin: germline. Affected: no.

Breakthrough Genomics
Classification: Benign. Review status: criteria provided, single submitter. Criteria: ACMG Guidelines, 2015. Collection method: not provided. Allele origin: germline. Inheritance: Autosomal recessive inheritance. Affected: yes.

PreventionGenetics, part of Exact Sciences
Classification: Benign for MADD-related condition. Last evaluated: 2019-10-30. Review status: no assertion criteria provided. Collection method: clinical testing. Allele origin: germline. Not counted in ClinVar's aggregate classification.
Comment: This variant is classified as benign based on ACMG/AMP sequence variant interpretation guidelines (Richards et al. 2015 PMID: 25741868, with internal and published modifications).

NM_001376571.1(MADD):c.2294G>A (p.Arg765Gln)

Gene: MADD (MAP kinase activating death domain; plus strand). Cytogenetic location: 11p11.2.
Variant type: single nucleotide variant.
Coding change: c.2294G>A on transcript NM_001376571.1 (MANE Select); coding-DNA position 2294, G replaced by A.
Protein change: p.Arg765Gln; replaces arginine 765 with glutamine.
Molecular consequence: missense variant. On other transcripts: intron variant (55), non-coding transcript variant (5).
Genome position (GRCh38, 1-based): chr11:47,285,077, G>A. VCF-style: chr11-47285077-G-A. GRCh37 (hg19) VCF-style: chr11-47306628-G-A.
Other names: c.2294G>A, p.Arg765Gln (NM_001376572.1, NM_001376573.1, NM_001376574.1 and 33 more transcripts); c.2090G>A, p.Arg697Gln (NM_001376626.1, NM_001376648.1, NM_001376657.1 and 1 more transcripts); c.1628G>A, p.Arg543Gln (NM_001376663.1); c.2282+12G>A (NM_001376636.1, NM_001376638.1, NM_001376616.1 and 43 more transcripts); c.2258+12G>A (NM_001376602.1); c.2078+12G>A (NM_001376627.1, NM_001376659.1, NM_001376635.1 and 5 more transcripts); short protein forms R543Q, R697Q, R765Q.
Identifiers: ClinVar variation 1321157 (VCV001321157.6), dbSNP rs3736101, ClinGen allele CA5974404.